The following is an entry in ClinVar:

NM_152722.5(HEPACAM):c.922A>G (p.Met308Val)

Gene: HEPACAM (hepatic and glial cell adhesion molecule; minus strand). Cytogenetic location: 11q24.2.
Variant type: single nucleotide variant.
Coding change: c.922A>G on transcript NM_152722.5 (MANE Select); coding-DNA position 922, A replaced by G.
Protein change: p.Met308Val; replaces methionine 308 with valine.
Molecular consequence: missense variant.
Genome position (GRCh38, 1-based): chr11:124,922,414, T>C on the plus strand (A>G on the coding strand, the complement: HEPACAM is on the minus strand). VCF-style: chr11-124922414-T-C. GRCh37 (hg19) VCF-style: chr11-124792310-T-C.
Other names: short protein forms M308V.
Identifiers: ClinVar variation 1031682 (VCV001031682.2), dbSNP rs1947151824, ClinGen allele CA383138449.

ClinVar aggregate classification (germline): Uncertain significance. Review status: criteria provided, multiple submitters, no conflicts (2 of 4 stars). 2 submissions from 2 submitters: Uncertain significance (2). Last evaluated 2024-06-12.

Conditions:
Megalencephalic leukoencephalopathy with subcortical cysts 2A. Identifiers: Orphanet 2478, MedGen C3151355, MONDO:0013490, OMIM 613925.

Submissions (2):

GeneDx
Classification: Uncertain significance. Last evaluated: 2024-06-12. Review status: criteria provided, single submitter. Criteria: GeneDx Variant Classification Process June 2021. Collection method: clinical testing. Allele origin: germline. Affected: yes.
Comment: Not observed at significant frequency in large population cohorts (gnomAD); In silico analysis indicates that this missense variant does not alter protein structure/function; Has not been previously published as pathogenic or benign to our knowledge

Baylor Genetics
Classification: Uncertain significance for Megalencephalic leukoencephalopathy with subcortical cysts 2A. Last evaluated: 2018-03-01. Review status: criteria provided, single submitter. Criteria: ACMG Guidelines, 2015. Collection method: clinical testing. Allele origin: maternal. Affected: yes.
Comment: This variant was determined to be of uncertain significance according to ACMG Guidelines, 2015 [PMID:25741868].